The following is an entry in ClinVar:

ClinVar aggregate classification (germline): Uncertain significance (1 of 4 stars; one submission).

Allele frequency attached by ClinVar (database versions not stated): gnomAD exomes below 0.00001; gnomAD 0.00001; TOPMed 0.00001.
gnomAD v4.1: 5 of 1,611,352 alleles (0.00031%); highest among the groups gnomAD compares: African/African-American, 0.0053%; no homozygotes.

Submission:

Labcorp Genetics (formerly Invitae), Labcorp
Classification: Uncertain significance. Last evaluated: 2024-04-29. Review status: criteria provided, single submitter. Criteria: Invitae Variant Classification Sherloc (09022015). Collection method: clinical testing. Allele origin: germline.
Comment: This sequence change replaces isoleucine, which is neutral and non-polar, with serine, which is neutral and polar, at codon 294 of the MCM5 protein (p.Ile294Ser). This variant is present in population databases (no rsID available, gnomAD 0.003%). This variant has not been reported in the literature in individuals affected with MCM5-related conditions. ClinVar contains an entry for this variant (Variation ID: 1393747). Advanced modeling of protein sequence and biophysical properties (such as structural, functional, and spatial information, amino acid conservation, physicochemical variation, residue mobility, and thermodynamic stability) performed at Invitae indicates that this missense variant is not expected to disrupt MCM5 protein function with a negative predictive value of 80%. In summary, the available evidence is currently insufficient to determine the role of this variant in disease. Therefore, it has been classified as a Variant of Uncertain Significance.

NM_006739.4(MCM5):c.881T>G (p.Ile294Ser)

Gene: MCM5 (minichromosome maintenance complex component 5; plus strand). Cytogenetic location: 22q12.3.
Variant type: single nucleotide variant.
Coding change: c.881T>G on transcript NM_006739.4 (MANE Select); coding-DNA position 881, T replaced by G.
Protein change: p.Ile294Ser; replaces isoleucine 294 with serine.
Molecular consequence: missense variant.
Genome position (GRCh38, 1-based): chr22:35,410,872, T>G. VCF-style: chr22-35410872-T-G. GRCh37 (hg19) VCF-style: chr22-35806865-T-G.
Other names: short protein forms I294S.
Identifiers: ClinVar variation 1393747 (VCV001393747.6), dbSNP rs866216842, ClinGen allele CA323490090.